The following is an entry in ClinVar:

NM_000130.5(F5):c.2798T>C (p.Leu933Pro)

Gene: F5 (coagulation factor V; minus strand). Cytogenetic location: 1q24.2.
Variant type: single nucleotide variant.
Coding change: c.2798T>C on transcript NM_000130.5 (MANE Select); coding-DNA position 2798, T replaced by C.
Protein change: p.Leu933Pro; replaces leucine 933 with proline.
Molecular consequence: missense variant.
Genome position (GRCh38, 1-based): chr1:169,542,292, A>G on the plus strand (T>C on the coding strand, the complement: F5 is on the minus strand). VCF-style: chr1-169542292-A-G. GRCh37 (hg19) VCF-style: chr1-169511530-A-G.
Other names: short protein forms L933P.
Identifiers: ClinVar variation 2452902 (VCV002452902.2), dbSNP rs1308657537, ClinGen allele CA343119949.

ClinVar aggregate classification (germline): Uncertain significance (1 of 4 stars; one submission).

Conditions:
Inborn genetic diseases. Identifiers: MedGen C0950123, MeSH D030342.

Submission:

Ambry Genetics
Classification: Uncertain significance for Inborn genetic diseases. Last evaluated: 2023-02-10. Review status: criteria provided, single submitter. Criteria: Ambry Variant Classification Scheme 2023. Collection method: clinical testing. Allele origin: germline.
Comment: The p.L933P variant (also known as c.2798T>C), located in coding exon 13 of the F5 gene, results from a T to C substitution at nucleotide position 2798. The leucine at codon 933 is replaced by proline, an amino acid with similar properties. This amino acid position is conserved. In addition, this alteration is predicted to be tolerated by in silico analysis. Since supporting evidence is limited at this time, the clinical significance of this alteration remains unclear.